The following is an entry in ClinVar:

ClinVar aggregate classification (germline): Likely benign. Review status: criteria provided, multiple submitters, no conflicts (2 of 4 stars). 6 submissions from 6 submitters: Likely benign (6). Last evaluated 2026-04-16.

Conditions:
ALPK3-related disorder. Also called: ALPK3-related condition.
Cardiovascular phenotype. Identifiers: MedGen CN230736.

Allele frequency attached by ClinVar (database versions not stated): ExAC 0.00003; gnomAD exomes 0.00006 and 0.00015; gnomAD 0.00009; TOPMed 0.00012.
gnomAD v4.1: 232 of 1,614,058 alleles (0.014%); highest among the groups gnomAD compares: Non-Finnish European, 0.018%; 1 homozygote.

Submissions (6):

PreventionGenetics, part of Exact Sciences
Classification: Likely benign for ALPK3-related condition. Last evaluated: 2026-04-16. Review status: criteria provided, single submitter. Criteria: ACMG Guidelines, 2015. Collection method: clinical testing. Allele origin: germline.
Comment: This variant is classified as likely benign based on ACMG/AMP sequence variant interpretation guidelines (Richards et al. 2015 PMID: 25741868, with internal and published modifications).

Molecular Diagnostic Laboratory for Inherited Cardiovascular Disease, Montreal Heart Institute
Classification: Likely benign. Last evaluated: 2026-03-27. Review status: criteria provided, single submitter. Criteria: ACMG Guidelines, 2015. Collection method: clinical testing. Allele origin: germline. Affected: no.
Comment: BP7

Labcorp Genetics (formerly Invitae), Labcorp
Classification: Likely benign. Last evaluated: 2026-02-01. Review status: criteria provided, single submitter. Criteria: Invitae Variant Classification Sherloc (09022015). Collection method: clinical testing. Allele origin: germline.

Blueprint Genetics
Classification: Likely benign. Last evaluated: 2024-10-07. Review status: criteria provided, single submitter. Criteria: ACMG Guidelines, 2015. Collection method: clinical testing. Allele origin: germline.

Ambry Genetics
Classification: Likely benign for Cardiovascular phenotype. Last evaluated: 2019-09-02. Review status: criteria provided, single submitter. Criteria: Ambry Variant Classification Scheme 2023. Collection method: clinical testing. Allele origin: germline.

GeneDx
Classification: Likely benign. Last evaluated: 2018-08-15. Review status: criteria provided, single submitter. Criteria: GeneDx Variant Classification Process June 2021. Collection method: clinical testing. Allele origin: germline. Affected: yes.

NM_020778.5(ALPK3):c.4197G>A (p.Gly1399=)

Gene: ALPK3 (alpha kinase 3; plus strand). Cytogenetic location: 15q25.3.
Variant type: single nucleotide variant.
Coding change: c.4197G>A on transcript NM_020778.5 (MANE Select); coding-DNA position 4197, G replaced by A.
Protein change: p.Gly1399=; no amino-acid change (glycine 1399 retained).
Molecular consequence: synonymous variant.
Genome position (GRCh38, 1-based): chr15:84,862,702, G>A. VCF-style: chr15-84862702-G-A. GRCh37 (hg19) VCF-style: chr15-85405933-G-A.
Identifiers: ClinVar variation 508920 (VCV000508920.17), dbSNP rs777711325, ClinGen allele CA7709897.